The following is an entry in ClinVar:

NM_001005361.3(DNM2):c.1196+647G>T

Gene: DNM2 (dynamin 2; plus strand). Cytogenetic location: 19p13.2.
Variant type: single nucleotide variant.
Coding change: c.1196+647G>T on transcript NM_001005361.3 (MANE Select); 647 bases into the intron after coding-DNA position 1196, G replaced by T.
Molecular consequence: intron variant. On other transcripts: missense variant (3).
Genome position (GRCh38, 1-based): chr19:10,796,086, G>T. VCF-style: chr19-10796086-G-T. GRCh37 (hg19) VCF-style: chr19-10906762-G-T.
Other names: c.1222G>T, p.Ala408Ser (NM_001005360.3, NM_001190716.2, NM_004945.4); c.1196+647G>T (NM_001005362.3); short protein forms A408S.
Identifiers: ClinVar variation 1299475 (VCV001299475.1), dbSNP rs2146025928, ClinGen allele CA404048658.

ClinVar aggregate classification (germline): Uncertain significance (1 of 4 stars; one submission).

Conditions:
Autosomal dominant centronuclear myopathy. Also called: Myopathy, centronuclear, 3; MYOTUBULAR MYOPATHY, AUTOSOMAL DOMINANT. Identifiers: Orphanet 169189, MedGen C4551952, MeSH D020914, MONDO:0008048, OMIM 160150.

Submission:

Breda Genetics srl
Classification: Uncertain significance for Autosomal dominant centronuclear myopathy. Last evaluated: 2021-06-24. Review status: criteria provided, single submitter. Criteria: ACMG Guidelines, 2015. Collection method: clinical testing. Allele origin: germline. Inheritance: Autosomal dominant inheritance. Affected: yes. Observed: 1 variant allele, 1 heterozygote.
Comment: The variant c.1222G>T (p.Ala408Ser) in the DNM2 gene has not been reported in the dbSNP, gnomAD, or ClinVar databases. The nucleotide position is conserved across 35 mammalian species (GERP RS: 4.7). In silico analysis indicates that the variant might be damaging.